The following is an entry in ClinVar:

ClinVar aggregate classification (germline): Likely benign. Review status: criteria provided, multiple submitters, no conflicts (2 of 4 stars). 4 submissions from 4 submitters: Likely benign (4). Last evaluated 2025-10-16.

Conditions:
JPH2-related disorder. Also called: JPH2-related condition.
Hypertrophic cardiomyopathy. Also called: HYPERTROPHIC MYOCARDIOPATHY. Identifiers: Orphanet 217569, MedGen C0007194, MeSH D002312, MONDO:0005045, HP:0001639.
Cardiovascular phenotype. Identifiers: MedGen CN230736.

Allele frequency attached by ClinVar (database versions not stated): gnomAD 0.00002 and 0.00005; gnomAD exomes 0.00003 and 0.00010; TOPMed 0.00004; ExAC 0.00010.

Submissions (4):

PreventionGenetics, part of Exact Sciences
Classification: Likely benign for JPH2-related condition. Last evaluated: 2025-10-16. Review status: criteria provided, single submitter. Criteria: ACMG Guidelines, 2015. Collection method: clinical testing. Allele origin: germline.
Comment: This variant is classified as likely benign based on ACMG/AMP sequence variant interpretation guidelines (Richards et al. 2015 PMID: 25741868, with internal and published modifications).

Labcorp Genetics (formerly Invitae), Labcorp
Classification: Likely benign for Hypertrophic cardiomyopathy. Last evaluated: 2025-10-13. Review status: criteria provided, single submitter. Criteria: Invitae Variant Classification Sherloc (09022015). Collection method: clinical testing. Allele origin: germline.

Ambry Genetics
Classification: Likely benign for Cardiovascular phenotype. Last evaluated: 2022-08-14. Review status: criteria provided, single submitter. Criteria: Ambry Variant Classification Scheme 2023. Collection method: clinical testing. Allele origin: germline.

GeneDx
Classification: Likely benign. Last evaluated: 2017-06-30. Review status: criteria provided, single submitter. Criteria: GeneDx Variant Classification (06012015). Collection method: clinical testing. Allele origin: germline. Affected: yes.
Comment: This variant is considered likely benign or benign based on one or more of the following criteria: it is a conservative change, it occurs at a poorly conserved position in the protein, it is predicted to be benign by multiple in silico algorithms, and/or has population frequency not consistent with disease.

NM_020433.5(JPH2):c.30T>C (p.Asp10=)

Gene: JPH2 (junctophilin 2; minus strand). Cytogenetic location: 20q13.12.
Variant type: single nucleotide variant.
Coding change: c.30T>C on transcript NM_020433.5 (MANE Select); coding-DNA position 30, T replaced by C.
Protein change: p.Asp10=; no amino-acid change (aspartic acid 10 retained).
Molecular consequence: synonymous variant.
Genome position (GRCh38, 1-based): chr20:44,186,676, A>G on the plus strand (T>C on the coding strand, the complement: JPH2 is on the minus strand). VCF-style: chr20-44186676-A-G. GRCh37 (hg19) VCF-style: chr20-42815316-A-G.
Other names: c.30T>C, p.Asp10= (NM_175913.4).
Identifiers: ClinVar variation 510605 (VCV000510605.12), dbSNP rs749155813, ClinGen allele CA9868936.